The following is an entry in ClinVar:

NM_001080414.4(CCDC88C):c.4673T>C (p.Phe1558Ser)

Gene: CCDC88C (coiled-coil and HOOK domain protein 88C; minus strand). Cytogenetic location: 14q32.11.
Variant type: single nucleotide variant.
Coding change: c.4673T>C on transcript NM_001080414.4 (MANE Select); coding-DNA position 4673, T replaced by C.
Protein change: p.Phe1558Ser; replaces phenylalanine 1558 with serine.
Molecular consequence: missense variant.
Genome position (GRCh38, 1-based): chr14:91,281,483, A>G on the plus strand (T>C on the coding strand, the complement: CCDC88C is on the minus strand). VCF-style: chr14-91281483-A-G. GRCh37 (hg19) VCF-style: chr14-91747827-A-G.
Other names: short protein forms F1558S.
Identifiers: ClinVar variation 807164 (VCV000807164.44), dbSNP rs201391511, ClinGen allele CA7308897.

ClinVar aggregate classification (germline): Uncertain significance. Review status: criteria provided, multiple submitters, no conflicts (2 of 4 stars). 3 submissions from 3 submitters: Uncertain significance (3). Last evaluated 2024-08-01.

Allele frequency attached by ClinVar (database versions not stated): TOPMed 0.00035; ESP Exome Variant Server 0.00041; gnomAD 0.00048.
gnomAD v4.1: 653 of 1,613,770 alleles (0.04%); highest among the groups gnomAD compares: Non-Finnish European, 0.047%; no homozygotes.

Submissions (3):

Women's Health and Genetics/Laboratory Corporation of America, LabCorp
Classification: Uncertain significance. Last evaluated: 2024-08-01. Review status: criteria provided, single submitter. Criteria: LabCorp Variant Classification Summary - May 2015. Collection method: clinical testing. Allele origin: germline.
Comment: Variant summary: CCDC88C c.4673T>C (p.Phe1558Ser) results in a non-conservative amino acid change in the encoded protein sequence. Four of five in-silico tools predict a benign effect of the variant on protein function. The variant allele was found at a frequency of 0.0004 in 1613770 control chromosomes (gnomAD v4.1.0). c.4673T>C has been reported in the literature in at least an individual affected with breast cancer (example: : Pipek_2023). These report(s) do not provide unequivocal conclusions about association of the variant with CCDC88C-Related Disorders. To our knowledge, no experimental evidence demonstrating an impact on protein function has been reported. The following publication have been ascertained in the context of this evaluation (PMID: 37239898). ClinVar contains an entry for this variant (Variation ID: 807164). Based on the evidence outlined above, the variant was classified as uncertain significance.

Labcorp Genetics (formerly Invitae), Labcorp
Classification: Uncertain significance. Last evaluated: 2022-07-30. Review status: criteria provided, single submitter. Criteria: Invitae Variant Classification Sherloc (09022015). Collection method: clinical testing. Allele origin: germline.
Comment: This sequence change replaces phenylalanine, which is neutral and non-polar, with serine, which is neutral and polar, at codon 1558 of the CCDC88C protein (p.Phe1558Ser). This variant is present in population databases (rs201391511, gnomAD 0.2%). This variant has not been reported in the literature in individuals affected with CCDC88C-related conditions. ClinVar contains an entry for this variant (Variation ID: 807164). Algorithms developed to predict the effect of missense changes on protein structure and function (SIFT, PolyPhen-2, Align-GVGD) all suggest that this variant is likely to be tolerated. In summary, the available evidence is currently insufficient to determine the role of this variant in disease. Therefore, it has been classified as a Variant of Uncertain Significance.

CeGaT Center for Human Genetics Tuebingen
Classification: Uncertain significance. Last evaluated: 2017-06-01. Review status: criteria provided, single submitter. Criteria: CeGaT Center For Human Genetics Tuebingen Variant Classification Criteria Version 2. Collection method: clinical testing. Allele origin: germline. Affected: yes. Observed: 1 variant allele.

Literature cited by the submitters: PubMed 37239898 (cited by Women's Health and Genetics/Laboratory Corporation of America, LabCorp).